The following is an entry in ClinVar:

NM_000051.4(ATM):c.8584+8T>C

Genes: ATM (ATM serine/threonine kinase; plus strand), C11orf65 (chromosome 11 open reading frame 65; minus strand). Cytogenetic location: 11q22.3.
Variant type: single nucleotide variant.
Coding change: c.8584+8T>C on transcript NM_000051.4 (MANE Select); 8 bases into the intron after coding-DNA position 8584, T replaced by C.
Molecular consequence: intron variant.
Genome position (GRCh38, 1-based): chr11:108,345,916, T>C. VCF-style: chr11-108345916-T-C. GRCh37 (hg19) VCF-style: chr11-108216643-T-C.
Other names: c.8584+8T>C (NM_001351834.2); c.641-36845A>G (NM_001330368.2); c.695-10624A>G (NM_001351110.2).
Identifiers: ClinVar variation 3253888 (VCV003253888.1), dbSNP rs1412872138.
Genomic context (GRCh38, chr11:108,345,916, plus strand): 5'-TTGGTTTGAGAAGCGATTGGCTTATACGCGCAGTGTAGCTACTTCTTCTATTGGTAATCT[T>C]CTTGTACATATAGTAGATTGAGCACTTTGTTGTTTGGCAGGTTTTATTTTTGTTTGATTC-3'

ClinVar aggregate classification (germline): Likely benign (1 of 4 stars; one submission).

Conditions:
Familial cancer of breast. Also called: hereditary breast carcinoma; BREAST CANCER, FAMILIAL; Hereditary breast cancer. Identifiers: Orphanet 227535, MedGen C0346153, MONDO:0016419, OMIM 114480. Disease mechanism: loss of function.

Submission:

Myriad Genetics, Inc.
Classification: Likely benign for Familial cancer of breast. Last evaluated: 2024-06-20. Review status: criteria provided, single submitter. Criteria: Myriad Autosomal Dominant, Autosomal Recessive and X-Linked Classification Criteria (2023). Collection method: clinical testing. Allele origin: unknown.
Comment: This variant is considered likely benign. This variant is intronic and is not expected to impact mRNA splicing.